The following is an entry in ClinVar:

ClinVar aggregate classification (germline): Likely benign (1 of 4 stars; one submission).

Conditions:
Familial cancer of breast. Also called: hereditary breast carcinoma; BREAST CANCER, FAMILIAL; Hereditary breast cancer. Identifiers: Orphanet 227535, MedGen C0346153, MONDO:0016419, OMIM 114480. Disease mechanism: loss of function.

Submission:

Myriad Genetics, Inc.
Classification: Likely benign for Familial cancer of breast. Last evaluated: 2024-05-24. Review status: criteria provided, single submitter. Criteria: Myriad Autosomal Dominant, Autosomal Recessive and X-Linked Classification Criteria (2023). Collection method: clinical testing. Allele origin: unknown.
Comment: This variant is considered likely benign. This variant is intronic and is not expected to impact mRNA splicing.

NM_000051.4(ATM):c.5763-20T>C

Genes: ATM (ATM serine/threonine kinase; plus strand), C11orf65 (chromosome 11 open reading frame 65; minus strand). Cytogenetic location: 11q22.3.
Variant type: single nucleotide variant.
Coding change: c.5763-20T>C on transcript NM_000051.4 (MANE Select); 20 bases into the intron before coding-DNA position 5763, T replaced by C.
Molecular consequence: intron variant.
Genome position (GRCh38, 1-based): chr11:108,310,140, T>C. VCF-style: chr11-108310140-T-C. GRCh37 (hg19) VCF-style: chr11-108180867-T-C.
Other names: c.5763-20T>C (NM_001351834.2); c.641-1069A>G (NM_001330368.2); c.*39-1069A>G (NM_001351110.2).
Identifiers: ClinVar variation 3254508 (VCV003254508.1), dbSNP rs2136009936.